The following is an entry in ClinVar:

NM_001849.4(COL6A2):c.189G>A (p.Thr63=)

Gene: COL6A2 (collagen type VI alpha 2 chain; plus strand). Cytogenetic location: 21q22.3.
Variant type: single nucleotide variant.
Coding change: c.189G>A on transcript NM_001849.4 (MANE Select); coding-DNA position 189, G replaced by A.
Protein change: p.Thr63=; no amino-acid change (threonine 63 retained).
Molecular consequence: synonymous variant.
Genome position (GRCh38, 1-based): chr21:46,112,052, G>A. VCF-style: chr21-46112052-G-A. GRCh37 (hg19) VCF-style: chr21-47531966-G-A.
Other names: c.189G>A, p.Thr63= (NM_058174.3, NM_058175.3).
Identifiers: ClinVar variation 286447 (VCV000286447.48), dbSNP rs143583433, ClinGen allele CA10071228.

ClinVar aggregate classification (germline): Conflicting classifications of pathogenicity. Review status: criteria provided, conflicting classifications (1 of 4 stars). 6 submissions from 6 submitters: Uncertain significance (1); Benign (1); Likely benign (4). Last evaluated 2026-09-26.

Conditions:
COL6A2-related disorder.
Collagen 6-related myopathy. Identifiers: MedGen CN117976, MONDO:0100225.
Bethlem myopathy 1A. Also called: Bethlem myopathy 1; Bethlem Muscular Dystrophy; MYOPATHY, BENIGN CONGENITAL, WITH CONTRACTURES. Identifiers: Orphanet 610, MedGen CN029274, MONDO:0024530, OMIM 158810.

Allele frequency attached by ClinVar (database versions not stated): gnomAD exomes 0.00011 and 0.00010; TOPMed 0.00014; 1000 Genomes Project 30x 0.00016; 1000 Genomes Project 0.00020; ESP Exome Variant Server 0.00008; ExAC 0.00009; gnomAD 0.00010.

Submissions (6):

PreventionGenetics, part of Exact Sciences
Classification: Likely benign for COL6A2-related condition. Last evaluated: 2026-09-26. Review status: criteria provided, single submitter. Criteria: ACMG Guidelines, 2015. Collection method: clinical testing. Allele origin: germline.
Comment: This variant is classified as likely benign based on ACMG/AMP sequence variant interpretation guidelines (Richards et al. 2015 PMID: 25741868, with internal and published modifications).

Labcorp Genetics (formerly Invitae), Labcorp
Classification: Likely benign for Bethlem myopathy 1A. Last evaluated: 2026-01-24. Review status: criteria provided, single submitter. Criteria: Invitae Variant Classification Sherloc (09022015). Collection method: clinical testing. Allele origin: germline.

CeGaT Center for Human Genetics Tuebingen
Classification: Likely benign. Last evaluated: 2023-01-01. Review status: criteria provided, single submitter. Criteria: CeGaT Center For Human Genetics Tuebingen Variant Classification Criteria Version 2. Collection method: clinical testing. Allele origin: germline. Affected: yes. Observed: 1 variant allele.
Comment: COL6A2: BP4, BP7

GeneDx
Classification: Likely benign. Last evaluated: 2019-05-15. Review status: criteria provided, single submitter. Criteria: GeneDx Variant Classification Process June 2021. Collection method: clinical testing. Allele origin: germline. Affected: yes.

Illumina Laboratory Services, Illumina
Classification: Benign for Collagen VI-related myopathy. Last evaluated: 2018-01-13. Review status: criteria provided, single submitter. Criteria: ICSL Variant Classification Criteria 13 December 2019. Collection method: clinical testing. Allele origin: germline.
Comment: This variant was observed in the ICSL laboratory as part of a predisposition screen in an ostensibly healthy population. It had not been previously curated by ICSL or reported in the Human Gene Mutation Database (HGMD: prior to June 1st, 2018), and was therefore a candidate for classification through an automated scoring system. Utilizing variant allele frequency, disease prevalence and penetrance estimates, and inheritance mode, an automated score was calculated to assess if this variant is too frequent to cause the disease. Based on the score and internal cut-off values, a variant classified as benign is not then subjected to further curation. The score for this variant resulted in a classification of benign for this disease.

Eurofins Ntd Llc (ga)
Classification: Uncertain significance. Last evaluated: 2017-02-28. Review status: criteria provided, single submitter. Criteria: EGL Classification Definitions 2015. Collection method: clinical testing. Allele origin: germline. Observed: 6 variant alleles, 6 heterozygotes.